The following is an entry in ClinVar:

NM_012301.4(MAGI2):c.3357_3358delinsGG (p.Leu1120Val)

Gene: MAGI2 (membrane associated guanylate kinase, WW and PDZ domain containing 2; minus strand). Cytogenetic location: 7q21.11.
Variant type: Indel.
Coding change: c.3357_3358delinsGG on transcript NM_012301.4 (MANE Select); coding-DNA positions 3357 to 3358, AC replaced by GG.
Protein change: p.Leu1120Val; replaces leucine 1120 with valine.
Molecular consequence: missense variant.
Genome position (GRCh38, 1-based): chr7:78,127,262-78,127,263, GT replaced by CC on the plus strand (AC replaced by GG on the coding strand, the reverse complement: MAGI2 is on the minus strand). VCF-style: chr7-78127262-GT-CC. GRCh37 (hg19) VCF-style: chr7-77756579-GT-CC.
Other names: c.3315_3316delinsGG, p.Leu1106Val (NM_001301128.2); short protein forms L1120V, L1106V.
Identifiers: ClinVar variation 2102948 (VCV002102948.1), dbSNP rs2485338215, ClinGen allele CA2580077372.

ClinVar aggregate classification (germline): Uncertain significance (1 of 4 stars; one submission).

Submission:

Labcorp Genetics (formerly Invitae), Labcorp
Classification: Uncertain significance. Last evaluated: 2022-02-24. Review status: criteria provided, single submitter. Criteria: Invitae Variant Classification Sherloc (09022015). Collection method: clinical testing. Allele origin: germline.
Comment: This sequence change replaces leucine, which is neutral and non-polar, with valine, which is neutral and non-polar, at codon 1120 of the MAGI2 protein (p.Leu1120Val). Information on the frequency of this variant in the gnomAD database is not available, as this variant may be reported differently in the database. This variant has not been reported in the literature in individuals affected with MAGI2-related conditions. Experimental studies and prediction algorithms are not available or were not evaluated, and the functional significance of this variant is currently unknown. In summary, the available evidence is currently insufficient to determine the role of this variant in disease. Therefore, it has been classified as a Variant of Uncertain Significance.